The following is an entry in ClinVar:

ClinVar aggregate classification (germline): Benign (0 of 4 stars; one submission).

Conditions:
NUMA1-related disorder. Also called: NUMA1-related condition.

Allele frequency attached by ClinVar (database versions not stated): 1000 Genomes Project 0.00379; gnomAD 0.00439; TOPMed 0.00455; gnomAD exomes 0.00038; ExAC 0.00123; ESP Exome Variant Server 0.00439; 1000 Genomes Project 30x 0.00375.
gnomAD v4.1: 1,239 of 1,604,156 alleles (0.077%); highest among the groups gnomAD compares: African/African-American, 1.5%; 7 homozygotes.

Submission:

PreventionGenetics, part of Exact Sciences
Classification: Benign for NUMA1-related condition. Last evaluated: 2019-08-20. Review status: no assertion criteria provided. Collection method: clinical testing. Allele origin: germline.
Comment: This variant is classified as benign based on ACMG/AMP sequence variant interpretation guidelines (Richards et al. 2015 PMID: 25741868, with internal and published modifications).

NM_006185.4(NUMA1):c.2932G>A (p.Gly978Ser)

Genes: NUMA1 (nuclear mitotic apparatus protein 1; minus strand), NUMA1-AS1 (NUMA1 antisense RNA 1; plus strand). Cytogenetic location: 11q13.4.
Variant type: single nucleotide variant.
Coding change: c.2932G>A on transcript NM_006185.4 (MANE Select); coding-DNA position 2932, G replaced by A.
Protein change: p.Gly978Ser; replaces glycine 978 with serine.
Molecular consequence: missense variant.
Genome position (GRCh38, 1-based): chr11:72,014,571, C>T on the plus strand (G>A on the coding strand, the complement: NUMA1 is on the minus strand). VCF-style: chr11-72014571-C-T. GRCh37 (hg19) VCF-style: chr11-71725617-C-T.
Other names: c.2932G>A, p.Gly978Ser (NM_001286561.2); short protein forms G978S.
Identifiers: ClinVar variation 3053267 (VCV003053267.2), dbSNP rs11235419, ClinGen allele CA6167375.
Genomic context (GRCh38, chr11:72,014,571, plus strand): 5'-CCTCCTGCTGCTGCCCCTGGCTCTCCATCAGCGCGGCCCGCAGCCGTTCCAGCTCATTGC[C>T]CATCTGCTCTGCCTCCCGCTCCATAGCCTGCAGCGCTGCCTGTGTGCTGCAGAACTGGCG-3'
Protein context (NP_006176.2, residues 968-988): QAMEREAEQM[Gly978Ser]NELERLRAAL